The following is an entry in ClinVar:

ClinVar aggregate classification (germline): Uncertain significance (1 of 4 stars; one submission).

Conditions:
Ataxia-telangiectasia syndrome (AT). Also called: Cerebello-oculocutaneous telangiectasia; Immunodeficiency with ataxia telangiectasia; Ataxia telangiectasia (A-T); Ataxia-telangiectasia, complementation group E; LOUIS-BAR SYNDROME; Ataxia-telangiectasia. Identifiers: Orphanet 100, MedGen C0004135, MONDO:0008840, OMIM 208900.

Submission:

Labcorp Genetics (formerly Invitae), Labcorp
Classification: Uncertain significance for Ataxia-telangiectasia syndrome. Last evaluated: 2019-03-08. Review status: criteria provided, single submitter. Criteria: Invitae Variant Classification Sherloc (09022015). Collection method: clinical testing. Allele origin: germline.
Comment: This variant has not been reported in the literature in individuals with ATM-related disease. In summary, the available evidence is currently insufficient to determine the role of this variant in disease. Therefore, it has been classified as a Variant of Uncertain Significance. Algorithms developed to predict the effect of missense changes on protein structure and function do not agree on the potential impact of this missense change (SIFT: "Deleterious"; PolyPhen-2: "Possibly Damaging"; Align-GVGD: "Class C0"). This variant is not present in population databases (ExAC no frequency). This sequence change replaces proline with leucine at codon 604 of the ATM protein (p.Pro604Leu). The proline residue is moderately conserved and there is a moderate physicochemical difference between proline and leucine.

NM_000051.4(ATM):c.1811C>T (p.Pro604Leu)

Gene: ATM (ATM serine/threonine kinase; plus strand). Cytogenetic location: 11q22.3.
Variant type: single nucleotide variant.
Coding change: c.1811C>T on transcript NM_000051.4 (MANE Select); coding-DNA position 1811, C replaced by T.
Protein change: p.Pro604Leu; replaces proline 604 with leucine.
Molecular consequence: missense variant.
Genome position (GRCh38, 1-based): chr11:108,252,825, C>T. VCF-style: chr11-108252825-C-T. GRCh37 (hg19) VCF-style: chr11-108123552-C-T.
Other names: c.1811C>T, p.Pro604Leu (NM_001351834.2); short protein forms P604L.
Identifiers: ClinVar variation 580035 (VCV000580035.9), dbSNP rs1565387411, ClinGen allele CA382535715.